The following is an entry in ClinVar:

ClinVar aggregate classification (germline): Uncertain significance. Review status: criteria provided, multiple submitters, no conflicts (2 of 4 stars). 3 submissions from 3 submitters: Uncertain significance (3). Last evaluated 2026-07-01.

Conditions:
Inborn genetic diseases. Identifiers: MedGen C0950123, MeSH D030342.
Wilson disease (WND). Also called: Wilson's disease. Identifiers: Orphanet 905, MedGen C0019202, MONDO:0010200, OMIM 277900. Disease mechanism: loss of function.

Allele frequency attached by ClinVar (database versions not stated): TOPMed below 0.00001; gnomAD exomes below 0.00001.

Submissions (3):

Ambry Genetics
Classification: Uncertain significance for Inborn genetic diseases. Last evaluated: 2026-07-01. Review status: criteria provided, single submitter. Criteria: Ambry Variant Classification Scheme 2023. Collection method: clinical testing. Allele origin: germline.
Comment: The p.V290A variant (also known as c.869T>C), located in coding exon 2 of the ATP7B gene, results from a T to C substitution at nucleotide position 869. The valine at codon 290 is replaced by alanine, an amino acid with similar properties. This amino acid position is conserved. In addition, the in silico prediction for this alteration is inconclusive. Based on the available evidence, the clinical significance of this variant remains unclear.

Color Diagnostics, LLC DBA Color Health
Classification: Uncertain significance for Wilson disease. Last evaluated: 2025-07-03. Review status: criteria provided, single submitter. Criteria: ACMG Guidelines, 2015. Collection method: clinical testing. Allele origin: germline.
Comment: This missense variant replaces valine with alanine at codon 290 of the ATP7B protein. Computational prediction is inconclusive regarding the impact of this variant on protein structure and function. To our knowledge, functional studies have not been reported for this variant. This variant has not been reported in individuals affected with ATP7B-related disorders in the literature. This variant has not been identified in the general population by the Genome Aggregation Database (gnomAD). The available evidence is insufficient to determine the role of this variant in disease conclusively. Therefore, this variant is classified as a Variant of Uncertain Significance.

Labcorp Genetics (formerly Invitae), Labcorp
Classification: Uncertain significance for Wilson disease. Last evaluated: 2022-06-02. Review status: criteria provided, single submitter. Criteria: Invitae Variant Classification Sherloc (09022015). Collection method: clinical testing. Allele origin: germline.
Comment: This sequence change replaces valine, which is neutral and non-polar, with alanine, which is neutral and non-polar, at codon 290 of the ATP7B protein (p.Val290Ala). This variant is not present in population databases (gnomAD no frequency). This variant has not been reported in the literature in individuals affected with ATP7B-related conditions. Algorithms developed to predict the effect of missense changes on protein structure and function (SIFT, PolyPhen-2, Align-GVGD) all suggest that this variant is likely to be tolerated. In summary, the available evidence is currently insufficient to determine the role of this variant in disease. Therefore, it has been classified as a Variant of Uncertain Significance.

NM_000053.4(ATP7B):c.869T>C (p.Val290Ala)

Gene: ATP7B (ATPase copper transporting beta; minus strand). Cytogenetic location: 13q14.3.
Variant type: single nucleotide variant.
Coding change: c.869T>C on transcript NM_000053.4 (MANE Select); coding-DNA position 869, T replaced by C.
Protein change: p.Val290Ala; replaces valine 290 with alanine.
Molecular consequence: missense variant. On other transcripts: intron variant (1).
Genome position (GRCh38, 1-based): chr13:51,974,351, A>G on the plus strand (T>C on the coding strand, the complement: ATP7B is on the minus strand). VCF-style: chr13-51974351-A-G. GRCh37 (hg19) VCF-style: chr13-52548487-A-G.
Other names: c.869T>C, p.Val290Ala (NM_001005918.3, NM_001330578.2, NM_001330579.2 and 29 more transcripts); c.773T>C, p.Val258Ala (NM_001406517.1, NM_001406518.1, NM_001406530.1 and 3 more transcripts); c.802+67T>C (NM_001243182.2); c.869T>C (NM_000053.3); short protein forms V290A, V258A.
Identifiers: ClinVar variation 2147188 (VCV002147188.3), dbSNP rs1387736838, ClinGen allele CA388040796.
Genomic context (GRCh38, chr13:51,974,351, plus strand): 5'-GCCACTGGGCTGGTACAAGAAGGGTCATACTTTACTTGGGCAGTTTTGTTCTCCAAGGAC[A>G]CTTGAATACTTTGAACCCCTAGGAGCTGGCCAATATTTTCTTCAATATTCAAGACGCAAG-3'
Protein context (NP_000044.2, residues 280-300): GQLLGVQSIQ[Val290Ala]SLENKTAQVK